The following is an entry in ClinVar:

ClinVar aggregate classification (germline): Uncertain significance (1 of 4 stars; one submission).

Submission:

Ambry Genetics
Classification: Uncertain significance. Last evaluated: 2023-08-26. Review status: criteria provided, single submitter. Criteria: Ambry Variant Classification Scheme 2023. Collection method: clinical testing. Allele origin: germline.
Comment: The p.R980G variant (also known as c.2938A>G), located in coding exon 15 of the NPAT gene, results from an A to G substitution at nucleotide position 2938. The arginine at codon 980 is replaced by glycine, an amino acid with dissimilar properties. This amino acid position is conserved. In addition, this alteration is predicted to be tolerated by in silico analysis. Since supporting evidence is limited at this time, the clinical significance of this alteration remains unclear.

NM_002519.3(NPAT):c.2938A>G (p.Arg980Gly)

Gene: NPAT (nuclear protein, coactivator of histone transcription; minus strand). Cytogenetic location: 11q22.3.
Variant type: single nucleotide variant.
Coding change: c.2938A>G on transcript NM_002519.3 (MANE Select); coding-DNA position 2938, A replaced by G.
Protein change: p.Arg980Gly; replaces arginine 980 with glycine.
Molecular consequence: missense variant.
Genome position (GRCh38, 1-based): chr11:108,169,816, T>C on the plus strand (A>G on the coding strand, the complement: NPAT is on the minus strand). VCF-style: chr11-108169816-T-C. GRCh37 (hg19) VCF-style: chr11-108040543-T-C.
Other names: c.2938A>G, p.Arg980Gly (NM_001321307.1); short protein forms R980G.
Identifiers: ClinVar variation 2587682 (VCV002587682.2), dbSNP rs1427450497, ClinGen allele CA382511908.